The following is an entry in ClinVar:

ClinVar aggregate classification (germline): Uncertain significance (1 of 4 stars; one submission).

Conditions:
Pyruvate kinase deficiency of red cells (CNSHA2). Also called: Pyruvate kinase deficiency, Amish type; PK DEFICIENCY; PYRUVATE KINASE DEFICIENCY OF ERYTHROCYTE. Identifiers: Orphanet 766, MedGen C0340968, MONDO:0009950, OMIM 266200.

Submission:

3billion
Classification: Uncertain significance for Pyruvate kinase deficiency of red cells. Last evaluated: 2022-05-22. Review status: criteria provided, single submitter. Criteria: ACMG Guidelines, 2015. Collection method: clinical testing. Allele origin: germline. Affected: yes. Observed: 1 homozygote.
Comment: The variant is not observed in the gnomAD v2.1.1 dataset. Stop-gained (nonsense): predicted to result in a loss or disruption of normal protein function through protein truncation. The predicted truncated protein may be shortened by less than 10%. Different nucleotide change resulting in same nonsense variant has been previously reported to be associated with PKLR -related disorder (NM_000298.6:c.1574G>A, PMID: 32043619). Therefore, this variant is classified as uncertain significanceaccording to the recommendation of ACMG/AMP guideline.

Literature cited by the submitters: PubMed 32043619.

NM_000298.6(PKLR):c.1575G>A (p.Trp525Ter)

Gene: PKLR (pyruvate kinase L/R; minus strand). Cytogenetic location: 1q22.
Variant type: single nucleotide variant.
Coding change: c.1575G>A on transcript NM_000298.6 (MANE Select); coding-DNA position 1575, G replaced by A.
Protein change: p.Trp525Ter; replaces tryptophan 525 with a stop codon.
Molecular consequence: nonsense.
Genome position (GRCh38, 1-based): chr1:155,291,799, C>T on the plus strand (G>A on the coding strand, the complement: PKLR is on the minus strand). VCF-style: chr1-155291799-C-T. GRCh37 (hg19) VCF-style: chr1-155261590-C-T.
Other names: c.1482G>A, p.Trp494Ter (NM_181871.4); short protein forms W494*, W525*.
Identifiers: ClinVar variation 1687535 (VCV001687535.1), dbSNP rs2148198897, ClinGen allele CA342750585.
Genomic context (GRCh38, chr1:155,291,799, plus strand): 5'-AGGTCTAGGTAGCTCACCACTTTCAATGCCAAATTGCACCCGGCGATCTACATCATCTGC[C>T]CAGATGGCTTCTGGAGGTTCACGGTAAAGCAAGGGGAAGACTCCTCGGCATAAGTGGACC-3'